The following is an entry in ClinVar:

ClinVar aggregate classification (germline): Uncertain significance (1 of 4 stars; one submission).

Conditions:
Charcot-Marie-Tooth disease axonal type 2O. Also called: CHARCOT-MARIE-TOOTH NEUROPATHY, AXONAL, TYPE 2O; CHARCOT-MARIE-TOOTH DISEASE, AXONAL, AUTOSOMAL DOMINANT, TYPE 2O; Charcot-Marie-Tooth disease, axonal, type 20; Charcot-Marie-Tooth Neuropathy Type 2O. Identifiers: Orphanet 284232, MedGen C3280220, MONDO:0013644, OMIM 614228.

Allele frequency attached by ClinVar (database versions not stated): gnomAD exomes below 0.00001; gnomAD 0.00001; TOPMed 0.00001.
gnomAD v4.1: 2 of 1,614,090 alleles (0.00012%); highest among the groups gnomAD compares: Non-Finnish European, 0.00017%; no homozygotes.

Submission:

Labcorp Genetics (formerly Invitae), Labcorp
Classification: Uncertain significance for Charcot-Marie-Tooth disease axonal type 2O. Last evaluated: 2024-05-29. Review status: criteria provided, single submitter. Criteria: Invitae Variant Classification Sherloc (09022015). Collection method: clinical testing. Allele origin: germline.
Comment: This sequence change falls in intron 59 of the DYNC1H1 gene. It does not directly change the encoded amino acid sequence of the DYNC1H1 protein. It affects a nucleotide within the consensus splice site. This variant is not present in population databases (gnomAD no frequency). This variant has not been reported in the literature in individuals affected with DYNC1H1-related conditions. ClinVar contains an entry for this variant (Variation ID: 1360616). Variants that disrupt the consensus splice site are a relatively common cause of aberrant splicing (PMID: 17576681, 9536098). Algorithms developed to predict the effect of sequence changes on RNA splicing suggest that this variant is not likely to affect RNA splicing. In summary, the available evidence is currently insufficient to determine the role of this variant in disease. Therefore, it has been classified as a Variant of Uncertain Significance.

Literature cited by the submitters: PubMed 17576681; PubMed 9536098.

NM_001376.5(DYNC1H1):c.11206+4G>T

Gene: DYNC1H1 (dynein cytoplasmic 1 heavy chain 1; plus strand). Cytogenetic location: 14q32.31.
Variant type: single nucleotide variant.
Coding change: c.11206+4G>T on transcript NM_001376.5 (MANE Select); 4 bases into the intron after coding-DNA position 11206, G replaced by T.
Molecular consequence: intron variant.
Genome position (GRCh38, 1-based): chr14:102,038,852, G>T. VCF-style: chr14-102038852-G-T. GRCh37 (hg19) VCF-style: chr14-102505189-G-T.
Identifiers: ClinVar variation 1360616 (VCV001360616.5), dbSNP rs1164135384, ClinGen allele CA703183846.